The following is an entry in ClinVar:

ClinVar aggregate classification (germline): Uncertain significance (1 of 4 stars; one submission).

Conditions:
MYH6-related disorder. Also called: MYH6-related condition; MYH6-Related Disorders.

Submission:

PreventionGenetics, part of Exact Sciences
Classification: Uncertain significance for MYH6-related condition. Last evaluated: 2023-07-13. Review status: criteria provided, single submitter. Criteria: ACMG Guidelines, 2015. Collection method: clinical testing. Allele origin: germline.
Comment: The MYH6 c.1595T>C variant is predicted to result in the amino acid substitution p.Met532Thr. To our knowledge, this variant has not been reported in the literature or in a large population database, indicating this variant is rare. At this time, the clinical significance of this variant is uncertain due to the absence of conclusive functional and genetic evidence.

NM_002471.4(MYH6):c.1595T>C (p.Met532Thr)

Gene: MYH6 (myosin heavy chain 6; minus strand). Cytogenetic location: 14q11.2.
Variant type: single nucleotide variant.
Coding change: c.1595T>C on transcript NM_002471.4 (MANE Select); coding-DNA position 1595, T replaced by C.
Protein change: p.Met532Thr; replaces methionine 532 with threonine.
Molecular consequence: missense variant.
Genome position (GRCh38, 1-based): chr14:23,399,024, A>G on the plus strand (T>C on the coding strand, the complement: MYH6 is on the minus strand). VCF-style: chr14-23399024-A-G. GRCh37 (hg19) VCF-style: chr14-23868233-A-G.
Other names: short protein forms M532T.
Identifiers: ClinVar variation 2631810 (VCV002631810.1), dbSNP rs1166850300, ClinGen allele CA389021134.
Genomic context (GRCh38, chr14:23,399,024, plus strand): 5'-TTGGCCTTGAAGGTCATGTCAGTGGCCTTGGGGAACATGCACTCCTCCTCCAGGATGGAC[A>G]TGATGCCCATGGGCTGAGGGCAGGGTGAAGAGGCAAAGAGAGAATCACTGAGCACACTCC-3'
Protein context (NP_002462.2, residues 522-542): IDLIEKPMGI[Met532Thr]SILEEECMFP